The following is an entry in ClinVar:

ClinVar aggregate classification (germline): Uncertain significance (1 of 4 stars; one submission).

gnomAD v4.1: 1 of 1,614,090 alleles (0.000062%); highest among the groups gnomAD compares: Middle Eastern, 0.016%; no homozygotes.

Submission:

GeneDx
Classification: Uncertain significance. Last evaluated: 2022-12-28. Review status: criteria provided, single submitter. Criteria: GeneDx Variant Classification Process June 2021. Collection method: clinical testing. Allele origin: germline. Affected: yes.
Comment: Not observed at significant frequency in large population cohorts (gnomAD); In silico analysis supports that this missense variant has a deleterious effect on protein structure/function; Has not been previously published as pathogenic or benign to our knowledge; Variants in candidate genes are classified as variants of uncertain significance in accordance with ACMG guidelines (Richards et al., 2015)

NM_018077.3(RBM28):c.1052T>G (p.Leu351Arg)

Gene: RBM28 (RNA binding motif protein 28; minus strand). Cytogenetic location: 7q32.1.
Variant type: single nucleotide variant.
Coding change: c.1052T>G on transcript NM_018077.3 (MANE Select); coding-DNA position 1052, T replaced by G.
Protein change: p.Leu351Arg; replaces leucine 351 with arginine.
Molecular consequence: missense variant.
Genome position (GRCh38, 1-based): chr7:128,330,896, A>C on the plus strand (T>G on the coding strand, the complement: RBM28 is on the minus strand). VCF-style: chr7-128330896-A-C. GRCh37 (hg19) VCF-style: chr7-127970949-A-C.
Other names: c.629T>G, p.Leu210Arg (NM_001166135.2); short protein forms L210R, L351R.
Identifiers: ClinVar variation 4083405 (VCV004083405.1).